The following is an entry in ClinVar:

ClinVar aggregate classification (germline): Uncertain significance (1 of 4 stars; one submission).

Conditions:
SCN1A-related disorder. Also called: SCN1A-related conditions; SCN1A-related condition; SCN1A-related disorders.

Submission:

3billion
Classification: Uncertain significance for SCN1A-related disorder. Last evaluated: 2025-12-30. Review status: criteria provided, single submitter. Criteria: ACMG Guidelines, 2015. Collection method: clinical testing. Allele origin: germline. Affected: yes.
Comment: The variant is not observed in the gnomAD v4.1.0 dataset. Predicted Consequence/Location: Missense variant In silico tool predictions suggest damaging effect of the variant on gene or gene product [REVEL: 0.90 (>=0.6, sensitivity 0.68 and specificity 0.92); 3Cnet: 0.99 (> 0.75, sensitivity 0.96 and precision 0.92)]. Different missense changes at the same codon have been reported as of uncertain significance (ClinVar ID: VCV002089082, VCV002847504, VCV003634043). Therefore, this variant is classified as VUS according to the recommendation of ACMG/AMP guideline.

NM_001165963.4(SCN1A):c.2609C>T (p.Ala870Val)

Gene: SCN1A (sodium voltage-gated channel alpha subunit 1; minus strand). Cytogenetic location: 2q24.3.
Variant type: single nucleotide variant.
Coding change: c.2609C>T on transcript NM_001165963.4 (MANE Select); coding-DNA position 2609, C replaced by T.
Protein change: p.Ala870Val; replaces alanine 870 with valine.
Molecular consequence: missense variant. On other transcripts: non-coding transcript variant (1).
Genome position (GRCh38, 1-based): chr2:166,038,113, G>A on the plus strand (C>T on the coding strand, the complement: SCN1A is on the minus strand). VCF-style: chr2-166038113-G-A. GRCh37 (hg19) VCF-style: chr2-166894623-G-A.
Other names: c.2525C>T, p.Ala842Val (NM_001165964.3, NM_001353957.2, NM_001353958.2); c.2609C>T, p.Ala870Val (NM_001202435.3, NM_001353948.2); c.2576C>T, p.Ala859Val (NM_001353949.2, NM_001353950.2, NM_001353951.2 and 2 more transcripts); c.2573C>T, p.Ala858Val (NM_001353954.2, NM_001353955.2); c.2522C>T, p.Ala841Val (NM_001353960.2); c.167C>T, p.Ala56Val (NM_001353961.2); short protein forms A56V, A841V, A842V, A858V, A859V, A870V.
Identifiers: ClinVar variation 4856000 (VCV004856000.1).
Genomic context (GRCh38, chr2:166,038,113, plus strand): 5'-AGAGCCCCCACGGAATTGCCGATGATCTTTATTAGCATATTTAACGTTGGCCAAGATTTT[G>A]CCAACTTGAAAACTCGCAGCTGGAAAATGAAAGATTAATATATATTTGTATGATTCTTAA-3'
Protein context (NP_001159435.1, residues 860-880): SFRLLRVFKL[Ala870Val]KSWPTLNMLI